The following is an entry in ClinVar:

ClinVar aggregate classification (germline): Uncertain significance (1 of 4 stars; one submission).

Conditions:
Schimke immuno-osseous dysplasia (SIOD). Also called: Schimke Immunoosseous Dysplasia. Identifiers: Orphanet 1830, MedGen C0877024, MONDO:0009458, OMIM 242900.

Allele frequency attached by ClinVar (database versions not stated): ExAC 0.00001; gnomAD 0.00001; gnomAD exomes 0.00001; TOPMed 0.00002.
gnomAD v4.1: 20 of 1,614,136 alleles (0.0012%); highest among the groups gnomAD compares: Non-Finnish European, 0.0016%; no homozygotes.

Submission:

Labcorp Genetics (formerly Invitae), Labcorp
Classification: Uncertain significance for Schimke immuno-osseous dysplasia. Last evaluated: 2021-08-31. Review status: criteria provided, single submitter. Criteria: Invitae Variant Classification Sherloc (09022015). Collection method: clinical testing. Allele origin: germline.
Comment: This sequence change replaces threonine with isoleucine at codon 176 of the SMARCAL1 protein (p.Thr176Ile). The threonine residue is weakly conserved and there is a moderate physicochemical difference between threonine and isoleucine. This variant is present in population databases (rs747775289, ExAC 0.001%). This variant has not been reported in the literature in individuals affected with SMARCAL1-related conditions. Algorithms developed to predict the effect of missense changes on protein structure and function (SIFT, PolyPhen-2, Align-GVGD) all suggest that this variant is likely to be tolerated. In summary, the available evidence is currently insufficient to determine the role of this variant in disease. Therefore, it has been classified as a Variant of Uncertain Significance.

NM_014140.4(SMARCAL1):c.527C>T (p.Thr176Ile)

Gene: SMARCAL1 (SNF2 related chromatin remodeling annealing helicase 1; plus strand). Cytogenetic location: 2q35.
Variant type: single nucleotide variant.
Coding change: c.527C>T on transcript NM_014140.4 (MANE Select); coding-DNA position 527, C replaced by T.
Protein change: p.Thr176Ile; replaces threonine 176 with isoleucine.
Molecular consequence: missense variant.
Genome position (GRCh38, 1-based): chr2:216,415,231, C>T. VCF-style: chr2-216415231-C-T. GRCh37 (hg19) VCF-style: chr2-217279954-C-T.
Other names: c.527C>T, p.Thr176Ile (NM_001127207.2); short protein forms T176I.
Identifiers: ClinVar variation 2074839 (VCV002074839.1), dbSNP rs747775289, ClinGen allele CA2097605.